The following is an entry in ClinVar:

ClinVar aggregate classification (germline): Benign (1 of 4 stars; one submission).

Allele frequency attached by ClinVar (database versions not stated): gnomAD 0.11544 and 0.12307; TOPMed 0.13203; 1000 Genomes Project 0.13438; 1000 Genomes Project 30x 0.13976.
gnomAD v4.1: 17,403 of 152,184 alleles (11%); highest among the groups gnomAD compares: African/African-American, 38%; 3,153 homozygotes.

Submission:

GeneDx
Classification: Benign. Last evaluated: 2018-06-14. Review status: criteria provided, single submitter. Criteria: GeneDx Variant Classification (06012015). Collection method: clinical testing. Allele origin: germline. Affected: yes.
Comment: This variant is considered likely benign or benign based on one or more of the following criteria: it is a conservative change, it occurs at a poorly conserved position in the protein, it is predicted to be benign by multiple in silico algorithms, and/or has population frequency not consistent with disease.

NM_000258.3(MYL3):c.308-257G>A

Gene: MYL3 (myosin light chain 3; minus strand). Cytogenetic location: 3p21.31.
Variant type: single nucleotide variant.
Coding change: c.308-257G>A on transcript NM_000258.3 (MANE Select); 257 bases into the intron before coding-DNA position 308, G replaced by A.
Molecular consequence: intron variant.
Genome position (GRCh38, 1-based): chr3:46,859,905, C>T on the plus strand (G>A on the coding strand, the complement: MYL3 is on the minus strand). VCF-style: chr3-46859905-C-T. GRCh37 (hg19) VCF-style: chr3-46901395-C-T.
Identifiers: ClinVar variation 680855 (VCV000680855.1), dbSNP rs1463395, ClinGen allele CA11530717.